The following is an entry in ClinVar:

NM_203447.4(DOCK8):c.5828C>T (p.Thr1943Ile)

Gene: DOCK8 (dedicator of cytokinesis 8; plus strand). Cytogenetic location: 9p24.3.
Variant type: single nucleotide variant.
Coding change: c.5828C>T on transcript NM_203447.4 (MANE Select); coding-DNA position 5828, C replaced by T.
Protein change: p.Thr1943Ile; replaces threonine 1943 with isoleucine.
Molecular consequence: missense variant.
Genome position (GRCh38, 1-based): chr9:449,794, C>T. VCF-style: chr9-449794-C-T. GRCh37 (hg19) VCF-style: chr9-449794-C-T.
Other names: p.Thr1943Ile; c.5528C>T, p.Thr1843Ile (NM_001190458.2); c.5624C>T, p.Thr1875Ile (NM_001193536.2); short protein forms T1943I, T1843I, T1875I.
Identifiers: ClinVar variation 367034 (VCV000367034.47), dbSNP rs148368084, ClinGen allele CA4959568.

ClinVar aggregate classification (germline): Conflicting classifications of pathogenicity. Review status: criteria provided, conflicting classifications (1 of 4 stars). 7 submissions from 7 submitters: Uncertain significance (6); Likely benign (1). Last evaluated 2025-09-03.

Conditions:
Hyper-IgE recurrent infection syndrome 3, autosomal recessive. Also called: Autosomal recessive hyper-IgE syndrome due to ZNF341 deficiency; HYPER-IgE SYNDROME 3, AUTOSOMAL RECESSIVE, WITH RECURRENT INFECTIONS. Identifiers: Orphanet 641368, MedGen C4748969, MONDO:0032654, OMIM 618282.
Combined immunodeficiency due to DOCK8 deficiency (HIES2). Also called: HYPER-IgE RECURRENT INFECTION SYNDROME 2, AUTOSOMAL RECESSIVE; HIES autosomal recessive; HYPER-IgE SYNDROME 2, AUTOSOMAL RECESSIVE, WITH RECURRENT INFECTIONS; DOCK8 Deficiency; Hyper-IgE recurrent infection syndrome, autosomal recessive. Identifiers: Orphanet 217390, MedGen C4722305, MONDO:0009478, OMIM 243700.
Intellectual disability. Also called: Intellectual functioning disability; Intellectual developmental disorder; intellectual disabilities. Identifiers: MedGen C3714756, MeSH D008607, MONDO:0001071, HP:0001249.
DOCK8-related disorder. Also called: DOCK8-related condition.

Allele frequency attached by ClinVar (database versions not stated): ExAC 0.00010; gnomAD exomes 0.00014; TOPMed 0.00019; gnomAD 0.00022 and 0.00025; ESP Exome Variant Server 0.00031.
gnomAD v4.1: 487 of 1,612,742 alleles (0.03%); highest among the groups gnomAD compares: Non-Finnish European, 0.04%; no homozygotes.

Submissions (7):

PreventionGenetics, part of Exact Sciences
Classification: Uncertain significance for DOCK8-related condition. Last evaluated: 2025-09-03. Review status: criteria provided, single submitter. Criteria: ACMG Guidelines, 2015. Collection method: clinical testing. Allele origin: germline.
Comment: The DOCK8 c.5828C>T variant is predicted to result in the amino acid substitution p.Thr1943Ile. To our knowledge, this variant has not been reported in the literature. This variant is reported in 0.030% of alleles in individuals of European (Non-Finnish) descent in gnomAD. Although we suspect that this variant may be benign, at this time, the clinical significance of this variant is uncertain due to the absence of conclusive functional and genetic evidence.

Mayo Clinic Laboratories, Mayo Clinic
Classification: Uncertain significance. Last evaluated: 2024-03-12. Review status: criteria provided, single submitter. Criteria: ACMG Guidelines, 2015. Collection method: clinical testing. Allele origin: germline. Observed: 1 variant allele.

Labcorp Genetics (formerly Invitae), Labcorp
Classification: Uncertain significance for Combined immunodeficiency due to DOCK8 deficiency. Last evaluated: 2023-12-06. Review status: criteria provided, single submitter. Criteria: Invitae Variant Classification Sherloc (09022015). Collection method: clinical testing. Allele origin: germline.
Comment: This sequence change replaces threonine, which is neutral and polar, with isoleucine, which is neutral and non-polar, at codon 1943 of the DOCK8 protein (p.Thr1943Ile). This variant is present in population databases (rs148368084, gnomAD 0.03%). This variant has not been reported in the literature in individuals affected with DOCK8-related conditions. ClinVar contains an entry for this variant (Variation ID: 367034). Advanced modeling of protein sequence and biophysical properties (such as structural, functional, and spatial information, amino acid conservation, physicochemical variation, residue mobility, and thermodynamic stability) performed at Invitae indicates that this missense variant is not expected to disrupt DOCK8 protein function with a negative predictive value of 80%. In summary, the available evidence is currently insufficient to determine the role of this variant in disease. Therefore, it has been classified as a Variant of Uncertain Significance.

CeGaT Center for Human Genetics Tuebingen
Classification: Uncertain significance. Last evaluated: 2023-03-01. Review status: criteria provided, single submitter. Criteria: CeGaT Center For Human Genetics Tuebingen Variant Classification Criteria Version 2. Collection method: clinical testing. Allele origin: germline. Affected: yes. Observed: 1 variant allele.

Cambridge Genomics Laboratory, East Genomic Laboratory Hub, NHS Genomic Medicine Service
Classification: Likely benign for Intellectual disability. Last evaluated: 2019-01-29. Review status: criteria provided, single submitter. Criteria: ACGS Best Practice Guidelines for Variant Classification in Rare Disease 2020. Collection method: clinical testing. Allele origin: germline. Affected: yes. Observed: 1 variant allele.

GeneDx
Classification: Uncertain significance. Last evaluated: 2019-01-25. Review status: criteria provided, single submitter. Criteria: GeneDx Variant Classification Process June 2021. Collection method: clinical testing. Allele origin: germline. Affected: yes.
Comment: In silico analysis, which includes protein predictors and evolutionary conservation, supports a deleterious effect; Has not been previously published as pathogenic or benign to our knowledge

Illumina Laboratory Services, Illumina
Classification: Uncertain significance for Combined immunodeficiency due to DOCK8 deficiency. Last evaluated: 2018-01-13. Review status: criteria provided, single submitter. Criteria: ICSL Variant Classification Criteria 13 December 2019. Collection method: clinical testing. Allele origin: germline.